The following is an entry in ClinVar:

ClinVar aggregate classification (germline): Uncertain significance. Review status: criteria provided, multiple submitters, no conflicts (2 of 4 stars). 3 submissions from 3 submitters: Uncertain significance (3). Last evaluated 2024-09-27.

Conditions:
Neurodevelopmental disorder with or without hyperkinetic movements and seizures, autosomal dominant. Also called: Intellectual disability, autosomal dominant 8. Identifiers: MedGen C3280282, MONDO:0013655, OMIM 614254.
Inborn genetic diseases. Identifiers: MedGen C0950123, MeSH D030342.

Allele frequency attached by ClinVar (database versions not stated): 1000 Genomes Project 30x 0.00016; 1000 Genomes Project 0.00020.
gnomAD v4.1: 12 of 1,612,808 alleles (0.00074%); highest among the groups gnomAD compares: African/African-American, 0.0027%; no homozygotes.

Submissions (3):

Ambry Genetics
Classification: Uncertain significance for Inborn genetic diseases. Last evaluated: 2024-09-27. Review status: criteria provided, single submitter. Criteria: Ambry Variant Classification Scheme 2023. Collection method: clinical testing. Allele origin: germline.
Comment: The c.1198-3C>A intronic variant results from a C to A substitution 3 nucleotides upstream from coding exon 9 in the GRIN1 gene. This nucleotide position is highly conserved in available vertebrate species. In silico splice site analysis predicts that this alteration may result in the creation or strengthening of a novel splice acceptor site. Based on the available evidence, the clinical significance of this variant remains unclear.

Labcorp Genetics (formerly Invitae), Labcorp
Classification: Uncertain significance for Neurodevelopmental disorder with or without hyperkinetic movements and seizures, autosomal dominant. Last evaluated: 2024-09-03. Review status: criteria provided, single submitter. Criteria: Invitae Variant Classification Sherloc (09022015). Collection method: clinical testing. Allele origin: germline.
Comment: This sequence change falls in intron 8 of the GRIN1 gene. It does not directly change the encoded amino acid sequence of the GRIN1 protein. It affects a nucleotide within the consensus splice site. This variant is present in population databases (rs200368768, gnomAD 0.007%). This variant has not been reported in the literature in individuals affected with GRIN1-related conditions. ClinVar contains an entry for this variant (Variation ID: 590082). Variants that disrupt the consensus splice site are a relatively common cause of aberrant splicing (PMID: 17576681, 9536098). Algorithms developed to predict the effect of sequence changes on RNA splicing suggest that this variant may disrupt the consensus splice site. In summary, the available evidence is currently insufficient to determine the role of this variant in disease. Therefore, it has been classified as a Variant of Uncertain Significance.

Blueprint Genetics
Classification: Uncertain significance. Last evaluated: 2021-04-27. Review status: criteria provided, single submitter. Criteria: ACMG Guidelines, 2015. Collection method: clinical testing. Allele origin: germline.

Literature cited by the submitters: PubMed 17576681 (cited by Labcorp Genetics (formerly Invitae), Labcorp); PubMed 9536098 (cited by Labcorp Genetics (formerly Invitae), Labcorp).

NM_007327.4(GRIN1):c.1198-3C>A

Gene: GRIN1 (glutamate ionotropic receptor NMDA type subunit 1; plus strand). Cytogenetic location: 9q34.3.
Variant type: single nucleotide variant.
Coding change: c.1198-3C>A on transcript NM_007327.4 (MANE Select); 3 bases into the intron before coding-DNA position 1198, C replaced by A.
Molecular consequence: intron variant.
Genome position (GRCh38, 1-based): chr9:137,161,053, C>A. VCF-style: chr9-137161053-C-A. GRCh37 (hg19) VCF-style: chr9-140055505-C-A.
Other names: c.1261-3C>A (NM_001185090.2, NM_001185091.2); c.1198-3C>A (NM_021569.4, NM_000832.7).
Identifiers: ClinVar variation 590082 (VCV000590082.13), dbSNP rs200368768, ClinGen allele CA5360867.